The following is an entry in ClinVar:

NM_001256789.3(CACNA1F):c.610G>A (p.Ala204Thr)

Gene: CACNA1F (calcium voltage-gated channel subunit alpha1 F; minus strand). Cytogenetic location: Xp11.23.
Variant type: single nucleotide variant.
Coding change: c.610G>A on transcript NM_001256789.3 (MANE Select); coding-DNA position 610, G replaced by A.
Protein change: p.Ala204Thr; replaces alanine 204 with threonine.
Molecular consequence: missense variant.
Genome position (GRCh38, 1-based): chrX:49,230,521, C>T on the plus strand (G>A on the coding strand, the complement: CACNA1F is on the minus strand). VCF-style: chrX-49230521-C-T. GRCh37 (hg19) VCF-style: chrX-49086983-C-T.
Other names: c.415G>A, p.Ala139Thr (NM_001256790.3); c.610G>A, p.Ala204Thr (NM_005183.4); short protein forms A139T, A204T.
Identifiers: ClinVar variation 1011265 (VCV001011265.11), dbSNP rs781874465, ClinGen allele CA10411059.
Genomic context (GRCh38, chrX:49,230,521, plus strand): 5'-ACTCACTCGGGACCCCAGACACCAGCCTCAGTGGCCGCAGCACCCGAAACGCCCTCAATG[C>T]CTTCACATCGAAGCCTCCTGGCTTTCCCCCGGTGTGCGGGGCGTCGCCTGGCCGTCCGGG-3'
Protein context (NP_001243718.1, residues 194-214): GGKPGGFDVK[Ala204Thr]LRAFRVLRPL

ClinVar aggregate classification (germline): Uncertain significance. Review status: criteria provided, multiple submitters, no conflicts (2 of 4 stars). 2 submissions from 2 submitters: Uncertain significance (2). Last evaluated 2020-03-25.

Conditions:
Congenital stationary night blindness 2A (CSNB2A). Also called: CSNB, INCOMPLETE, X-LINKED; Night blindness, congenital stationary (incomplete), 2A, X-linked; NIGHT BLINDNESS, CONGENITAL STATIONARY, TYPE 2; CACNA1F-Related X-Linked Congenital Stationary Night Blindness. Identifiers: Orphanet 215, MedGen C1848172, MONDO:0010241, OMIM 300071.
Aland island eye disease (AIED). Also called: Forsius Eriksson type ocular albinism. Identifiers: Orphanet 178333, MedGen C0268505, MONDO:0010371, OMIM 300600.
X-linked cone-rod dystrophy 3 (CORDX3). Identifiers: Orphanet 1872, MedGen C1845407, MONDO:0010335, OMIM 300476.

Allele frequency attached by ClinVar (database versions not stated): gnomAD exomes below 0.00001 and 0.00001; ExAC 0.00002.
gnomAD v4.1: 2 of 1,205,429 alleles (0.00017%); highest among the groups gnomAD compares: South Asian, 0.0036%; no homozygotes.

Submissions (2):

Labcorp Genetics (formerly Invitae), Labcorp
Classification: Uncertain significance. Last evaluated: 2020-03-25. Review status: criteria provided, single submitter. Criteria: Invitae Variant Classification Sherloc (09022015). Collection method: clinical testing. Allele origin: germline.
Comment: In summary, the available evidence is currently insufficient to determine the role of this variant in disease. Therefore, it has been classified as a Variant of Uncertain Significance. Algorithms developed to predict the effect of missense changes on protein structure and function are either unavailable or do not agree on the potential impact of this missense change (SIFT: "Deleterious"; PolyPhen-2: "Probably Damaging"; Align-GVGD: "Class C0"). This variant has not been reported in the literature in individuals with CACNA1F-related conditions. This variant is present in population databases (rs781874465, ExAC 0.01%). This sequence change replaces alanine with threonine at codon 204 of the CACNA1F protein (p.Ala204Thr). The alanine residue is highly conserved and there is a small physicochemical difference between alanine and threonine.

Juno Genomics, Hangzhou Juno Genomics, Inc
Classification: Uncertain significance for Aland island eye disease; X-linked cone-rod dystrophy 3; Congenital stationary night blindness 2A. Review status: criteria provided, single submitter. Criteria: ACMG Guidelines, 2015. Collection method: clinical testing. Allele origin: germline.
Comment: Absent from controls (or at extremely low frequency if recessive) in Genome Aggregation Database.;Multiple lines of computational evidence support a deleterious effect on the gene or gene product.